The following is an entry in ClinVar:

NM_002335.4(LRP5):c.2719A>G (p.Met907Val)

Gene: LRP5 (LDL receptor related protein 5; plus strand). Cytogenetic location: 11q13.2.
Variant type: single nucleotide variant.
Coding change: c.2719A>G on transcript NM_002335.4 (MANE Select); coding-DNA position 2719, A replaced by G.
Protein change: p.Met907Val; replaces methionine 907 with valine.
Molecular consequence: missense variant.
Genome position (GRCh38, 1-based): chr11:68,413,904, A>G. VCF-style: chr11-68413904-A-G. GRCh37 (hg19) VCF-style: chr11-68181372-A-G.
Other names: c.976A>G, p.Met326Val (NM_001291902.2); short protein forms M907V, M326V.
Identifiers: ClinVar variation 838282 (VCV000838282.9), dbSNP rs137861541, ClinGen allele CA6149718.
Genomic context (GRCh38, chr11:68,413,904, plus strand): 5'-GACTTCGTGATGGACATCCTGGTGTTCCACTCCTCCCGCCAGGATGGCCTCAATGACTGT[A>G]TGCACAACAACGGGCAGTGTGGGCAGCTGTGCCTTGCCATCCCCGGCGGCCACCGCTGCG-3'
Protein context (NP_002326.2, residues 897-917): SSRQDGLNDC[Met907Val]HNNGQCGQLC

ClinVar aggregate classification (germline): Uncertain significance (1 of 4 stars; one submission).

Allele frequency attached by ClinVar (database versions not stated): gnomAD exomes below 0.00001 and 0.00002; gnomAD 0.00001 and 0.00002; TOPMed 0.00002; ExAC 0.00004; ESP Exome Variant Server 0.00015.
gnomAD v4.1: 4 of 1,612,704 alleles (0.00025%); highest among the groups gnomAD compares: African/African-American, 0.0027%; no homozygotes.

Submission:

Labcorp Genetics (formerly Invitae), Labcorp
Classification: Uncertain significance. Last evaluated: 2025-12-15. Review status: criteria provided, single submitter. Criteria: Invitae Variant Classification Sherloc (09022015). Collection method: clinical testing. Allele origin: germline.
Comment: This sequence change replaces methionine, which is neutral and non-polar, with valine, which is neutral and non-polar, at codon 907 of the LRP5 protein (p.Met907Val). This variant is present in population databases (rs137861541, gnomAD 0.01%). This variant has not been reported in the literature in individuals affected with LRP5-related conditions. ClinVar contains an entry for this variant (Variation ID: 838282). Invitae Evidence Modeling of protein sequence and biophysical properties (such as structural, functional, and spatial information, amino acid conservation, physicochemical variation, residue mobility, and thermodynamic stability) indicates that this missense variant is not expected to disrupt LRP5 protein function with a negative predictive value of 95%. In summary, the available evidence is currently insufficient to determine the role of this variant in disease. Therefore, it has been classified as a Variant of Uncertain Significance.